The following is an entry in ClinVar:

ClinVar aggregate classification (germline): Uncertain significance. Review status: criteria provided, multiple submitters, no conflicts (2 of 4 stars). 3 submissions from 3 submitters: Uncertain significance (3). Last evaluated 2026-03-12.

Allele frequency attached by ClinVar (database versions not stated): gnomAD exomes 0.00002 and 0.00003; ExAC 0.00006; gnomAD 0.00016 and 0.00017; TOPMed 0.00019; 1000 Genomes Project 30x 0.00031; ESP Exome Variant Server 0.00038; 1000 Genomes Project 0.00040.
gnomAD v4.1: 50 of 1,612,738 alleles (0.0031%); highest among the groups gnomAD compares: African/African-American, 0.056%; 1 homozygote.

Submissions (3):

GeneDx
Classification: Uncertain significance. Last evaluated: 2026-03-12. Review status: criteria provided, single submitter. Criteria: GeneDx Variant Classification Process June 2021. Collection method: clinical testing. Allele origin: germline.
Comment: In silico analysis suggests that this missense variant does not alter protein structure/function; Has not been previously published as pathogenic or benign to our knowledge

Labcorp Genetics (formerly Invitae), Labcorp
Classification: Uncertain significance. Last evaluated: 2025-06-12. Review status: criteria provided, single submitter. Criteria: Invitae Variant Classification Sherloc (09022015). Collection method: clinical testing. Allele origin: germline.
Comment: This sequence change replaces aspartic acid, which is acidic and polar, with glycine, which is neutral and non-polar, at codon 20 of the SNIP1 protein (p.Asp20Gly). This variant is present in population databases (rs142972500, gnomAD 0.05%). This variant has not been reported in the literature in individuals affected with SNIP1-related conditions. ClinVar contains an entry for this variant (Variation ID: 1412711). An algorithm developed to predict the effect of missense changes on protein structure and function (PolyPhen-2) suggests that this variant is likely to be disruptive. In summary, the available evidence is currently insufficient to determine the role of this variant in disease. Therefore, it has been classified as a Variant of Uncertain Significance.

Ambry Genetics
Classification: Uncertain significance. Last evaluated: 2024-05-24. Review status: criteria provided, single submitter. Criteria: Ambry Variant Classification Scheme 2023. Collection method: clinical testing. Allele origin: germline.

NM_024700.4(SNIP1):c.59A>G (p.Asp20Gly)

Gene: SNIP1 (Smad nuclear interacting protein 1; minus strand). Cytogenetic location: 1p34.3.
Variant type: single nucleotide variant.
Coding change: c.59A>G on transcript NM_024700.4 (MANE Select); coding-DNA position 59, A replaced by G.
Protein change: p.Asp20Gly; replaces aspartic acid 20 with glycine.
Molecular consequence: missense variant.
Genome position (GRCh38, 1-based): chr1:37,554,171, T>C on the plus strand (A>G on the coding strand, the complement: SNIP1 is on the minus strand). VCF-style: chr1-37554171-T-C. GRCh37 (hg19) VCF-style: chr1-38019772-T-C.
Other names: c.59A>G (NM_024700.2, NM_024700.3); short protein forms D20G.
Identifiers: ClinVar variation 1412711 (VCV001412711.8), dbSNP rs142972500, ClinGen allele CA771444.